The following is an entry in ClinVar:

NM_000245.4(MET):c.3798+5T>C

Gene: MET (MET proto-oncogene, receptor tyrosine kinase; plus strand). Cytogenetic location: 7q31.2.
Variant type: single nucleotide variant.
Coding change: c.3798+5T>C on transcript NM_000245.4 (MANE Select); 5 bases into the intron after coding-DNA position 3798, T replaced by C.
Molecular consequence: intron variant.
Genome position (GRCh38, 1-based): chr7:116,783,474, T>C. VCF-style: chr7-116783474-T-C. GRCh37 (hg19) VCF-style: chr7-116423528-T-C.
Other names: c.3852+5T>C (LRG_662t1, NM_001127500.3, NM_001127500.2); c.2508+5T>C (NM_001324402.2).
Identifiers: ClinVar variation 184563 (VCV000184563.46), dbSNP rs368150874, ClinGen allele CA189312.

ClinVar aggregate classification (germline): Conflicting classifications of pathogenicity. Review status: criteria provided, conflicting classifications (1 of 4 stars). 9 submissions from 9 submitters: Uncertain significance (3); Likely benign (5). 1 of the submissions does not count toward it. Last evaluated 2026-01-27.

Conditions:
MET-related disorder. Also called: MET-related condition.
Renal cell carcinoma. Identifiers: Orphanet 217071, MedGen C0007134, MeSH D002292, MONDO:0005086, HP:0005584.
Hereditary cancer-predisposing syndrome. Also called: Tumor predisposition; Neoplastic Syndromes, Hereditary; Hereditary Cancer Syndrome; Hereditary neoplastic syndrome. Identifiers: Orphanet 140162, MedGen C0027672, MeSH D009386, MONDO:0015356.
Papillary renal cell carcinoma type 1 (RCCP1). Also called: Renal adenocarcinoma; Renal cell carcinoma 1; Renal cell carcinoma, somatic; RENAL CELL CARCINOMA, PAPILLARY, 1, SOMATIC. Identifiers: Orphanet 47044, MedGen C1336839, OMIM 605074, HP:0011797.

Allele frequency attached by ClinVar (database versions not stated): ESP Exome Variant Server 0.00008; ExAC 0.00010; gnomAD exomes 0.00010 and 0.00023; TOPMed 0.00010; gnomAD 0.00012.
gnomAD v4.1: 353 of 1,614,074 alleles (0.022%); highest among the groups gnomAD compares: Non-Finnish European, 0.028%; 1 homozygote.

Submissions (9):

Labcorp Genetics (formerly Invitae), Labcorp
Classification: Likely benign for Renal cell carcinoma. Last evaluated: 2026-01-27. Review status: criteria provided, single submitter. Criteria: Invitae Variant Classification Sherloc (09022015). Collection method: clinical testing. Allele origin: germline.

Myriad Genetics, Inc.
Classification: Likely benign for Papillary renal cell carcinoma type 1. Last evaluated: 2024-11-14. Review status: criteria provided, single submitter. Criteria: Myriad Autosomal Dominant, Autosomal Recessive and X-Linked Classification Criteria (2023). Collection method: clinical testing. Allele origin: unknown.
Comment: This variant is considered likely benign. This variant is intronic and is not expected to impact mRNA splicing. This variant has been observed at a population frequency that is significantly greater than expected given the associated disease prevalence and penetrance.

Blueprint Genetics
Classification: Likely benign. Last evaluated: 2024-10-07. Review status: criteria provided, single submitter. Criteria: ACMG Guidelines, 2015. Collection method: clinical testing. Allele origin: germline.

CeGaT Center for Human Genetics Tuebingen
Classification: Uncertain significance. Last evaluated: 2023-08-01. Review status: criteria provided, single submitter. Criteria: CeGaT Center For Human Genetics Tuebingen Variant Classification Criteria Version 2. Collection method: clinical testing. Allele origin: germline. Affected: yes. Observed: 1 variant allele.

Ambry Genetics
Classification: Likely benign for Hereditary cancer-predisposing syndrome. Last evaluated: 2021-11-17. Review status: criteria provided, single submitter. Criteria: Ambry Variant Classification Scheme 2023. Collection method: clinical testing. Allele origin: germline.

Institute for Clinical Genetics, University Hospital TU Dresden, University Hospital TU Dresden
Classification: Uncertain significance. Last evaluated: 2021-11-03. Review status: criteria provided, single submitter. Criteria: ACMG Guidelines, 2015. Collection method: clinical testing. Allele origin: germline.

GeneDx
Classification: Likely benign. Last evaluated: 2021-10-26. Review status: criteria provided, single submitter. Criteria: GeneDx Variant Classification Process June 2021. Collection method: clinical testing. Allele origin: germline. Affected: yes.

Sema4
Classification: Uncertain significance for Hereditary cancer-predisposing syndrome. Last evaluated: 2021-07-30. Review status: criteria provided, single submitter. Criteria: Sema4 Curation Guidelines. Collection method: curation. Allele origin: germline.
Comment: The MET c.3852+5T>C variant has not been reported in the literature to our knowledge. It was observed in 22/128432 chromosomes of the Non-Finnish European subpopulation, with no homozygotes, in the Genome Aggregation Database (PMID: 32461654).The variant has been reported in ClinVar (Variation ID 184563). In silico tools suggest the impact of the variant on mRNA splicing is benign, though these predictions have not been confirmed by functional studies. There is no indication that this variant causes disease, but the evidence is insufficient currently to prove that conclusively. Thus, the clinical significance of this variant is currently uncertain.

PreventionGenetics, part of Exact Sciences
Classification: Likely benign for MET-related condition. Last evaluated: 2022-03-11. Review status: no assertion criteria provided. Collection method: clinical testing. Allele origin: germline. Not counted in ClinVar's aggregate classification.
Comment: This variant is classified as likely benign based on ACMG/AMP sequence variant interpretation guidelines (Richards et al. 2015 PMID: 25741868, with internal and published modifications).